The following is an entry in ClinVar:

NM_001364905.1(LRBA):c.3999G>A (p.Trp1333Ter)

Gene: LRBA (LPS responsive beige-like anchor protein; minus strand). Cytogenetic location: 4q31.3.
Variant type: single nucleotide variant.
Coding change: c.3999G>A on transcript NM_001364905.1 (MANE Select); coding-DNA position 3999, G replaced by A.
Protein change: p.Trp1333Ter; replaces tryptophan 1333 with a stop codon.
Molecular consequence: nonsense.
Genome position (GRCh38, 1-based): chr4:150,850,729, C>T on the plus strand (G>A on the coding strand, the complement: LRBA is on the minus strand). VCF-style: chr4-150850729-C-T. GRCh37 (hg19) VCF-style: chr4-151771881-C-T.
Other names: c.3999G>A, p.Trp1333Ter (NM_001199282.3, NM_001367550.1, NM_006726.5); short protein forms W1333*.
Identifiers: ClinVar variation 3370967 (VCV003370967.1).

ClinVar aggregate classification (germline): Pathogenic (1 of 4 stars; one submission).

Submission:

GeneDx
Classification: Pathogenic. Last evaluated: 2024-05-01. Review status: criteria provided, single submitter. Criteria: GeneDx Variant Classification Process June 2021. Collection method: clinical testing. Allele origin: germline. Affected: yes.
Comment: Nonsense variant predicted to result in protein truncation or nonsense mediated decay in a gene for which loss of function is a known mechanism of disease; Not observed in large population cohorts (gnomAD); This variant is associated with the following publications: (PMID: 35453810, 30919572, HawariI2022[article])